The following is an entry in ClinVar:

ClinVar aggregate classification (germline): Pathogenic (1 of 4 stars; one submission).

Conditions:
Long QT syndrome (LQTS). Identifiers: MedGen C0023976, MeSH D008133, MONDO:0002442. Disease mechanism: loss of function. Inheritance: Various modes of inheritance.

Submission:

Labcorp Genetics (formerly Invitae), Labcorp
Classification: Pathogenic for Long QT syndrome. Last evaluated: 2023-09-08. Review status: criteria provided, single submitter. Criteria: Invitae Variant Classification Sherloc (09022015). Collection method: clinical testing. Allele origin: germline.
Comment: This variant is not present in population databases (gnomAD no frequency). For these reasons, this variant has been classified as Pathogenic. This variant has not been reported in the literature in individuals affected with KCNH2-related conditions. This sequence change creates a premature translational stop signal (p.Tyr542Thrfs*23) in the KCNH2 gene. It is expected to result in an absent or disrupted protein product. Loss-of-function variants in KCNH2 are known to be pathogenic (PMID: 10973849, 19862833).

Literature cited by the submitters: PubMed 10973849; PubMed 19862833.

NM_000238.4(KCNH2):c.1624del (p.Tyr542fs)

Gene: KCNH2 (potassium voltage-gated channel subfamily H member 2; minus strand). Cytogenetic location: 7q36.1.
Variant type: Deletion.
Coding change: c.1624del on transcript NM_000238.4 (MANE Select); coding-DNA position 1624, one base deleted (T; older notation c.1624delT).
Protein change: p.Tyr542fs; shifts the reading frame from tyrosine 542.
Molecular consequence: frameshift variant. On other transcripts: non-coding transcript variant (2).
Genome position (GRCh38, 1-based): chr7:150,951,769, A deleted on the plus strand (T on the coding strand, the reverse complement: KCNH2 is on the minus strand). VCF-style (leftmost placement, unchanged base first): chr7-150951768-TA-T. GRCh37 (hg19) VCF-style: chr7-150648856-TA-T.
Other names: c.604del, p.Tyr202fs (NM_001204798.2, NM_172057.3); c.1336del, p.Tyr446fs (NM_001406753.1, NM_001406756.1); c.1447del, p.Tyr483fs (NM_001406755.1); c.1324del, p.Tyr442fs (NM_001406757.1); c.1624del, p.Tyr542fs (NM_172056.3); short protein forms Y442fs, Y483fs, Y542fs, Y202fs, Y446fs.
Identifiers: ClinVar variation 2758800 (VCV002758800.3), dbSNP rs2486039708, ClinGen allele CA2697549694.
Genomic context (GRCh38, chr7:150,951,768, plus strand): 5'-TGCGCGATGAGCGCAAAGGTGCACATGAGCAAGAACAGCACGGCCGCGCCGTACTCTGAG[TA>T]GCGATCCAGCTTCCGCGCCACGCGCACCAGCCGCAGCAGCCGCGCAGTCTTCAGCAGCCC-3'